The following is an entry in ClinVar:

NM_001013839.4(EXOC7):c.1617-3C>G

Gene: EXOC7 (exocyst complex component 7; minus strand). Cytogenetic location: 17q25.1.
Variant type: single nucleotide variant.
Coding change: c.1617-3C>G on transcript NM_001013839.4 (MANE Select); 3 bases into the intron before coding-DNA position 1617, C replaced by G.
Molecular consequence: intron variant.
Genome position (GRCh38, 1-based): chr17:76,085,412, G>C on the plus strand (C>G on the coding strand, the complement: EXOC7 is on the minus strand). VCF-style: chr17-76085412-G-C. GRCh37 (hg19) VCF-style: chr17-74081493-G-C.
Other names: c.1524-3C>G (NM_015219.5); c.1563-3C>G (NM_001375975.1); c.1593-3C>G (NM_001145298.4); c.1656-3C>G (NM_001375974.1); c.1686-3C>G (NM_001145299.4); c.1725-3C>G (NM_001375976.1); c.1770-3C>G (NM_001145297.4); c.1533-3C>G (NM_001282313.2).
Identifiers: ClinVar variation 5003195 (VCV005003195.1).

ClinVar aggregate classification (germline): Uncertain significance (1 of 4 stars; one submission).

Conditions:
Neurodevelopmental disorder with seizures and brain atrophy. Identifiers: MedGen C5436732, MONDO:0033658, OMIM 619072.

gnomAD v4.1: 1 of 1,607,820 alleles (0.000062%); highest among the groups gnomAD compares: Non-Finnish European, 0.000085%; no homozygotes.

Submission:

OLLIN Analises Genomicas, OLLIN
Classification: Uncertain significance for Neurodevelopmental disorder with seizures and brain atrophy. Last evaluated: 2026-08-06. Review status: criteria provided, single submitter. Criteria: ACMG Guidelines 2015 PMID 25741868. Collection method: clinical testing. Allele origin: germline.
Comment: This variant has been observed in gnomAD with an allele frequency of 0.000062%, but has not been reported in ClinVar or identified in the literature. According to the currently available evidence, this variant has been classified as uncertain significance (PM2_P, PP3).